The following is an entry in ClinVar:

ClinVar aggregate classification (germline): Uncertain significance (1 of 4 stars; one submission).

Submission:

GeneDx
Classification: Uncertain significance. Last evaluated: 2022-10-28. Review status: criteria provided, single submitter. Criteria: GeneDx Variant Classification Process June 2021. Collection method: clinical testing. Allele origin: germline. Affected: yes.
Comment: Reported previously in a patient with a neurodevelopmental disorder; however, further clinical and segregation information was not provided (Wang et al., 2020); Frameshift variant predicted to result in protein truncation as the last 70 amino acids are replaced with 43 different amino acids, although loss-of-function variants have not been reported downstream of this position in the protein; This variant is associated with the following publications: (PMID: 33004838)

NM_018489.3(ASH1L):c.8683del (p.Thr2895fs)

Gene: ASH1L (ASH1 like histone lysine methyltransferase; minus strand). Cytogenetic location: 1q22.
Variant type: Deletion.
Coding change: c.8683del on transcript NM_018489.3 (MANE Select); coding-DNA position 8683, one base deleted (A; older notation c.8683delA).
Protein change: p.Thr2895fs; shifts the reading frame from threonine 2895.
Molecular consequence: frameshift variant.
Genome position (GRCh38, 1-based): chr1:155,338,209, T deleted on the plus strand (A on the coding strand, the reverse complement: ASH1L is on the minus strand); the first of 9 consecutive T bases (chr1:155,338,209-155,338,217); deleting any one gives the same sequence. VCF-style (leftmost placement, unchanged base first): chr1-155338208-GT-G. GRCh37 (hg19) VCF-style: chr1-155307999-GT-G.
Other names: c.8698del, p.Thr2900fs (NM_001366177.2); short protein forms T2895fs, T2900fs.
Identifiers: ClinVar variation 2500599 (VCV002500599.1), dbSNP rs761154268, ClinGen allele CA1145814.